The following is an entry in ClinVar:

ClinVar aggregate classification (germline): Uncertain significance (1 of 4 stars; one submission).

Conditions:
Immunodeficiency, common variable, 4. Also called: ANTIBODY DEFICIENCY DUE TO BAFFR DEFECT. Identifiers: Orphanet 1572, Orphanet 696925, MedGen C3150739, MONDO:0013284, OMIM 613494.

Allele frequency attached by ClinVar (database versions not stated): gnomAD 0.00001.

Submission:

Labcorp Genetics (formerly Invitae), Labcorp
Classification: Uncertain significance for Immunodeficiency, common variable, 4. Last evaluated: 2022-07-05. Review status: criteria provided, single submitter. Criteria: Invitae Variant Classification Sherloc (09022015). Collection method: clinical testing. Allele origin: germline.
Comment: This sequence change replaces alanine, which is neutral and non-polar, with threonine, which is neutral and polar, at codon 123 of the TNFRSF13C protein (p.Ala123Thr). This variant also falls at the last nucleotide of exon 2, which is part of the consensus splice site for this exon. This variant is present in population databases (no rsID available, gnomAD 0.1%). This variant has not been reported in the literature in individuals affected with TNFRSF13C-related conditions. ClinVar contains an entry for this variant (Variation ID: 1398536). Algorithms developed to predict the effect of missense changes on protein structure and function output the following: SIFT: "Tolerated"; PolyPhen-2: "Benign"; Align-GVGD: "Class C0". The threonine amino acid residue is found in multiple mammalian species, which suggests that this missense change does not adversely affect protein function. Variants that disrupt the consensus splice site are a relatively common cause of aberrant splicing (PMID: 17576681, 9536098). Algorithms developed to predict the effect of sequence changes on RNA splicing suggest that this variant may create or strengthen a splice site. In summary, the available evidence is currently insufficient to determine the role of this variant in disease. Therefore, it has been classified as a Variant of Uncertain Significance.

Literature cited by the submitters: PubMed 17576681; PubMed 9536098.

NM_052945.4(TNFRSF13C):c.367G>A (p.Ala123Thr)

Gene: TNFRSF13C (TNF receptor superfamily member 13C; minus strand). Cytogenetic location: 22q13.2.
Variant type: single nucleotide variant.
Coding change: c.367G>A on transcript NM_052945.4 (MANE Select); coding-DNA position 367, G replaced by A.
Protein change: p.Ala123Thr; replaces alanine 123 with threonine.
Molecular consequence: missense variant.
Genome position (GRCh38, 1-based): chr22:41,926,101, C>T on the plus strand (G>A on the coding strand, the complement: TNFRSF13C is on the minus strand). VCF-style: chr22-41926101-C-T. GRCh37 (hg19) VCF-style: chr22-42322105-C-T.
Other names: short protein forms A123T.
Identifiers: ClinVar variation 1398536 (VCV001398536.8), dbSNP rs1303897969, ClinGen allele CA411762977.